The following is an entry in ClinVar:

ClinVar aggregate classification (germline): Likely pathogenic. Review status: criteria provided, single submitter (1 of 4 stars). 2 submissions from 2 submitters: Likely pathogenic (1). 1 of the submissions does not count toward it. Last evaluated 2020-05-08.

Conditions:
Armfield syndrome (MRXSA). Identifiers: Orphanet 85276, MedGen C1846057, MONDO:0010284, OMIM 300261.

Submissions (2):

GeneDx
Classification: Likely pathogenic. Last evaluated: 2020-05-08. Review status: criteria provided, single submitter. Criteria: GeneDx Variant Classification (06012015). Collection method: clinical testing. Allele origin: germline. Affected: yes.
Comment: The D255N variant in the FAM50A gene has been observed as a de novo hemizygous variant in GeneDx whole exome sequencing data in association with global developmental delay, short stature, small hands and feet, dysmorphic features, ocular anomalies, and seizures. The D255N variant is not observed in large population cohorts (Lek et al., 2016). In silico analysis supports that this missense variant has a deleterious effect on protein structure/function. Therefore, we interpret D255N as a likely pathogenic variant.

OMIM
Classification: Pathogenic for INTELLECTUAL DEVELOPMENTAL DISORDER, X-LINKED, SYNDROMIC, ARMFIELD TYPE. Last evaluated: 2020-08-27. Review status: no assertion criteria provided. Collection method: literature only. Allele origin: germline. Not counted in ClinVar's aggregate classification.

Literature cited by the submitters: PubMed 32703943 (cited by OMIM).

NM_004699.4(FAM50A):c.763G>A (p.Asp255Asn)

Gene: FAM50A (family with sequence similarity 50 member A; plus strand). Cytogenetic location: Xq28.
Variant type: single nucleotide variant.
Coding change: c.763G>A on transcript NM_004699.4 (MANE Select); coding-DNA position 763, G replaced by A.
Protein change: p.Asp255Asn; replaces aspartic acid 255 with asparagine.
Molecular consequence: missense variant.
Genome position (GRCh38, 1-based): chrX:154,449,718, G>A. VCF-style: chrX-154449718-G-A. GRCh37 (hg19) VCF-style: chrX-153678066-G-A.
Other names: short protein forms D255N.
Identifiers: ClinVar variation 872937 (VCV000872937.1), dbSNP rs2068797171, ClinGen allele CA415219420.